The following is an entry in ClinVar:

NM_001201550.3(CFHR4):c.1471T>G (p.Tyr491Asp)

Gene: CFHR4 (complement factor H related 4; plus strand). Cytogenetic location: 1q31.3.
Variant type: single nucleotide variant.
Coding change: c.1471T>G on transcript NM_001201550.3 (MANE Select); coding-DNA position 1471, T replaced by G.
Protein change: p.Tyr491Asp; replaces tyrosine 491 with aspartic acid.
Molecular consequence: missense variant.
Genome position (GRCh38, 1-based): chr1:196,915,069, T>G. VCF-style: chr1-196915069-T-G. GRCh37 (hg19) VCF-style: chr1-196884199-T-G.
Other names: c.1468T>G, p.Tyr490Asp (NM_001201551.2); c.730T>G, p.Tyr244Asp (NM_006684.5); c.1471T>G (NM_001201550.2); short protein forms Y244D, Y490D, Y491D.
Identifiers: ClinVar variation 2637650 (VCV002637650.2), dbSNP rs373767199, ClinGen allele CA1307179.

ClinVar aggregate classification (germline): Conflicting classifications of pathogenicity. Review status: criteria provided, conflicting classifications (1 of 4 stars). 2 submissions from 2 submitters: Uncertain significance (1); Likely benign (1). Last evaluated 2023-10-10.

Allele frequency attached by ClinVar (database versions not stated): gnomAD exomes 0.00001; ExAC 0.00006; ESP Exome Variant Server 0.00008; gnomAD 0.00008.
gnomAD v4.1: 24 of 1,613,412 alleles (0.0015%); highest among the groups gnomAD compares: African/African-American, 0.031%; no homozygotes.

Submissions (2):

Women's Health and Genetics/Laboratory Corporation of America, LabCorp
Classification: Likely benign. Last evaluated: 2023-10-10. Review status: criteria provided, single submitter. Criteria: LabCorp Variant Classification Summary - May 2015. Collection method: clinical testing. Allele origin: germline.
Comment: Variant summary: CFHR4 c.1471T>G (p.Tyr491Asp) results in a non-conservative amino acid change located in the Sushi/SCR/CCP domain (IPR000436) of the encoded protein sequence. Three of five in-silico tools predict a damaging effect of the variant on protein function. The variant allele was found at a frequency of 7.9e-05 in 151644 control chromosomes, predominantly at a frequency of 0.00027 within the African or African-American subpopulation in the gnomAD database. The observed variant frequency within African or African-American control individuals in the gnomAD database is approximately 2 fold of the estimated maximal expected allele frequency for a pathogenic variant in CFHR4 causing Genetic Atypical Hemolytic Uremic Syndrome phenotype (0.00016), strongly suggesting that the variant is a benign polymorphism found primarily in populations of African or African-American origin. To our knowledge, no occurrence of c.1471T>G in individuals affected with Genetic Atypical Hemolytic Uremic Syndrome and no experimental evidence demonstrating its impact on protein function have been reported. No submitters have cited clinical-significance assessments for this variant to ClinVar after 2014. Based on the evidence outlined above, the variant was classified as likely benign.

Ambry Genetics
Classification: Uncertain significance. Last evaluated: 2023-10-05. Review status: criteria provided, single submitter. Criteria: Ambry Variant Classification Scheme 2023. Collection method: clinical testing. Allele origin: germline.